The following is an entry in ClinVar:

NM_182961.4(SYNE1):c.8983A>T (p.Ile2995Leu)

Genes: SYNE1 (spectrin repeat containing nuclear envelope protein 1; minus strand), SYNE1-AS1 (SYNE1 antisense RNA 1; plus strand). Cytogenetic location: 6q25.2.
Variant type: single nucleotide variant.
Coding change: c.8983A>T on transcript NM_182961.4 (MANE Select); coding-DNA position 8983, A replaced by T.
Protein change: p.Ile2995Leu; replaces isoleucine 2995 with leucine.
Molecular consequence: missense variant.
Genome position (GRCh38, 1-based): chr6:152,381,032, T>A on the plus strand (A>T on the coding strand, the complement: SYNE1 is on the minus strand). VCF-style: chr6-152381032-T-A. GRCh37 (hg19) VCF-style: chr6-152702167-T-A.
Other names: c.9004A>T, p.Ile3002Leu (NM_033071.5); short protein forms I2995L, I3002L.
Identifiers: ClinVar variation 1714296 (VCV001714296.5), dbSNP rs1346822083, ClinGen allele CA366143645.

ClinVar aggregate classification (germline): Uncertain significance (1 of 4 stars; one submission).

Conditions:
Emery-Dreifuss muscular dystrophy 4, autosomal dominant (EDMD4). Also called: EMERY-DREIFUSS MUSCULAR DYSTROPHY 4 WITH VARIABLE FEATURES. Identifiers: Orphanet 261, MedGen C2751807, MONDO:0013071, OMIM 612998.
Autosomal recessive ataxia, Beauce type. Also called: SYNE1-Related Autosomal Recessive Cerebellar Ataxia; SYNE1 Deficiency; Spinocerebellar ataxia, autosomal recessive 8; ATAXIA, RECESSIVE, OF BEAUCE. Identifiers: Orphanet 88644, MedGen C1853116, MONDO:0012549, OMIM 610743.

Submission:

Labcorp Genetics (formerly Invitae), Labcorp
Classification: Uncertain significance for Emery-Dreifuss muscular dystrophy 4, autosomal dominant; Autosomal recessive ataxia, Beauce type. Last evaluated: 2022-07-30. Review status: criteria provided, single submitter. Criteria: Invitae Variant Classification Sherloc (09022015). Collection method: clinical testing. Allele origin: germline.
Comment: In summary, the available evidence is currently insufficient to determine the role of this variant in disease. Therefore, it has been classified as a Variant of Uncertain Significance. Algorithms developed to predict the effect of missense changes on protein structure and function output the following: SIFT: "Tolerated"; PolyPhen-2: "Benign"; Align-GVGD: "Class C0". The leucine amino acid residue is found in multiple mammalian species, which suggests that this missense change does not adversely affect protein function. This variant has not been reported in the literature in individuals affected with SYNE1-related conditions. This variant is not present in population databases (gnomAD no frequency). This sequence change replaces isoleucine, which is neutral and non-polar, with leucine, which is neutral and non-polar, at codon 3002 of the SYNE1 protein (p.Ile3002Leu).